The following is an entry in ClinVar:

NM_207361.6(FREM2):c.6101G>T (p.Gly2034Val)

Gene: FREM2 (FRAS1 related extracellular matrix 2; plus strand). Cytogenetic location: 13q13.3.
Variant type: single nucleotide variant.
Coding change: c.6101G>T on transcript NM_207361.6 (MANE Select); coding-DNA position 6101, G replaced by T.
Protein change: p.Gly2034Val; replaces glycine 2034 with valine.
Molecular consequence: missense variant.
Genome position (GRCh38, 1-based): chr13:38,846,654, G>T. VCF-style: chr13-38846654-G-T. GRCh37 (hg19) VCF-style: chr13-39420791-G-T.
Other names: short protein forms G2034V.
Identifiers: ClinVar variation 1033702 (VCV001033702.1), dbSNP rs778531580, ClinGen allele CA6955450.

ClinVar aggregate classification (germline): Uncertain significance (1 of 4 stars; one submission).

Conditions:
Fraser syndrome 2 (FRASRS2). Identifiers: MedGen C4540036, MONDO:0054738, OMIM 617666.

Allele frequency attached by ClinVar (database versions not stated): gnomAD 0.00001; TOPMed 0.00002.
gnomAD v4.1: 7 of 1,613,688 alleles (0.00043%); highest among the groups gnomAD compares: African/African-American, 0.0013%; no homozygotes.

Submission:

Baylor Genetics
Classification: Uncertain significance for Fraser syndrome 2. Last evaluated: 2018-05-09. Review status: criteria provided, single submitter. Criteria: ACMG Guidelines, 2015. Collection method: clinical testing. Allele origin: maternal. Affected: yes.
Comment: This variant was determined to be of uncertain significance according to ACMG Guidelines, 2015 [PMID:25741868].